The following is an entry in ClinVar:

NM_002691.4(POLD1):c.3241A>G (p.Met1081Val)

Gene: POLD1 (DNA polymerase delta 1, catalytic subunit; plus strand). Cytogenetic location: 19q13.33.
Variant type: single nucleotide variant.
Coding change: c.3241A>G on transcript NM_002691.4 (MANE Select); coding-DNA position 3241, A replaced by G.
Protein change: p.Met1081Val; replaces methionine 1081 with valine.
Molecular consequence: missense variant. On other transcripts: non-coding transcript variant (1).
Genome position (GRCh38, 1-based): chr19:50,417,864, A>G. VCF-style: chr19-50417864-A-G. GRCh37 (hg19) VCF-style: chr19-50921121-A-G.
Other names: c.3241A>G, p.Met1081Val (NM_001256849.1); c.3319A>G, p.Met1107Val (NM_001308632.1); c.3241A>G (NM_002691.2); short protein forms M1107V, M1081V.
Identifiers: ClinVar variation 537123 (VCV000537123.11), dbSNP rs1555793868, ClinGen allele CA406987740.

ClinVar aggregate classification (germline): Uncertain significance. Review status: criteria provided, multiple submitters, no conflicts (2 of 4 stars). 2 submissions from 2 submitters: Uncertain significance (2). Last evaluated 2025-09-19.

Conditions:
POLD1-related polyposis and colorectal cancer syndrome (CRCS10). Also called: Colorectal cancer 10; COLORECTAL CANCER, SUSCEPTIBILITY TO, ON CHROMOSOME 19q; Colorectal cancer, susceptibility to, 10. Identifiers: Orphanet 220460, MedGen C2675481, MONDO:0012953, OMIM 612591.
Hereditary cancer-predisposing syndrome. Also called: Tumor predisposition; Neoplastic Syndromes, Hereditary; Hereditary Cancer Syndrome; Hereditary neoplastic syndrome. Identifiers: Orphanet 140162, MedGen C0027672, MeSH D009386, MONDO:0015356.

Submissions (2):

Ambry Genetics
Classification: Uncertain significance for Hereditary cancer-predisposing syndrome. Last evaluated: 2025-09-19. Review status: criteria provided, single submitter. Criteria: Ambry Variant Classification Scheme 2023. Collection method: clinical testing. Allele origin: germline.
Comment: The p.M1081V variant (also known as c.3241A>G), located in coding exon 26 of the POLD1 gene, results from an A to G substitution at nucleotide position 3241. The methionine at codon 1081 is replaced by valine, an amino acid with highly similar properties. This amino acid position is conserved. In addition, this alteration is predicted to be tolerated by in silico analysis. Since supporting evidence is limited at this time, the clinical significance of this alteration remains unclear.

Labcorp Genetics (formerly Invitae), Labcorp
Classification: Uncertain significance for POLD1-related polyposis and colorectal cancer syndrome. Last evaluated: 2025-06-27. Review status: criteria provided, single submitter. Criteria: Invitae Variant Classification Sherloc (09022015). Collection method: clinical testing. Allele origin: germline.
Comment: This sequence change replaces methionine, which is neutral and non-polar, with valine, which is neutral and non-polar, at codon 1081 of the POLD1 protein (p.Met1081Val). This variant is not present in population databases (gnomAD no frequency). This variant has not been reported in the literature in individuals affected with POLD1-related conditions. ClinVar contains an entry for this variant (Variation ID: 537123). Invitae Evidence Modeling of protein sequence and biophysical properties (such as structural, functional, and spatial information, amino acid conservation, physicochemical variation, residue mobility, and thermodynamic stability) indicates that this missense variant is expected to disrupt POLD1 protein function with a positive predictive value of 80%. In summary, the available evidence is currently insufficient to determine the role of this variant in disease. Therefore, it has been classified as a Variant of Uncertain Significance.